The following is an entry in ClinVar:

ClinVar aggregate classification (germline): Likely pathogenic (1 of 4 stars; one submission).

Conditions:
Stankiewicz-Isidor syndrome (STISS). Identifiers: MedGen C4479599, MONDO:0054591, OMIM 617516.

Submission:

OLLIN Analises Genomicas, OLLIN
Classification: Likely pathogenic for Stankiewicz-Isidor syndrome. Last evaluated: 2025-11-17. Review status: criteria provided, single submitter. Criteria: ACMG Guidelines 2015 PMID 25741868. Collection method: clinical testing. Allele origin: germline. Affected: yes. Observed: 1 variant allele.
Comment: The nonsense variant (chr17:67347431G>A), located in exon 6 (of 11), is not reported in the gnomAD v4.1 non-UKB or ClinVar databases, nor was it found in the scientific literature. This variant introduces an early stop codon, resulting in a truncated protein or mRNA degradation via nonsense-mediated decay (NMD). According to currently available evidence, this variant has been classified as likely pathogenic (PVS1, PM2_P).

NM_002816.5(PSMD12):c.565C>T (p.Gln189Ter)

Gene: PSMD12 (proteasome 26S subunit, non-ATPase 12; minus strand). Cytogenetic location: 17q24.2.
Variant type: single nucleotide variant.
Coding change: c.565C>T on transcript NM_002816.5 (MANE Select); coding-DNA position 565, C replaced by T.
Protein change: p.Gln189Ter; replaces glutamine 189 with a stop codon.
Molecular consequence: nonsense.
Genome position (GRCh38, 1-based): chr17:67,347,431, G>A on the plus strand (C>T on the coding strand, the complement: PSMD12 is on the minus strand). VCF-style: chr17-67347431-G-A. GRCh37 (hg19) VCF-style: chr17-65343547-G-A.
Other names: c.388C>T, p.Gln130Ter (NM_001316341.2); c.505C>T, p.Gln169Ter (NM_174871.4); short protein forms Q130*, Q169*, Q189*.
Identifiers: ClinVar variation 4814154 (VCV004814154.1).